The following is an entry in ClinVar:

NM_015141.4(GPD1L):c.-47C>G

Genes: GPD1L (glycerol-3-phosphate dehydrogenase 1 like; plus strand), LOC129936414 (ATAC-STARR-seq lymphoblastoid silent region 14165; plus strand). Cytogenetic location: 3p22.3.
Variant type: single nucleotide variant.
Coding change: c.-47C>G on transcript NM_015141.4 (MANE Select); 47 bases upstream of the start codon, C replaced by G.
Molecular consequence: 5 prime UTR variant.
Genome position (GRCh38, 1-based): chr3:32,106,665, C>G. VCF-style: chr3-32106665-C-G. GRCh37 (hg19) VCF-style: chr3-32148157-C-G.
Identifiers: ClinVar variation 391851 (VCV000391851.1), dbSNP rs1057524264, ClinGen allele CA16604509.

ClinVar aggregate classification (germline): Likely benign (1 of 4 stars; one submission).

gnomAD v4.1: 1 of 1,479,102 alleles (0.000068%); highest among the groups gnomAD compares: Non-Finnish European, 0.00009%; no homozygotes.

Submission:

GeneDx
Classification: Likely benign. Last evaluated: 2016-12-19. Review status: criteria provided, single submitter. Criteria: GeneDx Variant Classification (06012015). Collection method: clinical testing. Allele origin: germline. Affected: yes.
Comment: This variant is considered likely benign or benign based on one or more of the following criteria: it is a conservative change, it occurs at a poorly conserved position in the protein, it is predicted to be benign by multiple in silico algorithms, and/or has population frequency not consistent with disease.